The following is an entry in ClinVar:

ClinVar aggregate classification (germline): Likely pathogenic (1 of 4 stars; one submission).

Conditions:
Fanconi anemia (FA). Also called: Fanconi's anemia. Identifiers: Orphanet 84, MedGen C0015625, MeSH D005199, MONDO:0019391.

Submission:

Labcorp Genetics (formerly Invitae), Labcorp
Classification: Likely pathogenic for Fanconi anemia. Last evaluated: 2021-01-07. Review status: criteria provided, single submitter. Criteria: Invitae Variant Classification Sherloc (09022015). Collection method: clinical testing. Allele origin: germline.
Comment: This sequence change affects a donor splice site in intron 7 of the FANCG gene. It is expected to disrupt RNA splicing and likely results in an absent or disrupted protein product. This variant is not present in population databases (ExAC no frequency). This variant has been observed in an individual affected with Fanconi anemia (PMID: 24584348). Algorithms developed to predict the effect of sequence changes on RNA splicing suggest that this variant may disrupt the consensus splice site, but this prediction has not been confirmed by published transcriptional studies. Donor and acceptor splice site variants typically lead to a loss of protein function (PMID: 16199547), and loss-of-function variants in FANCG are known to be pathogenic (PMID: 12552564). In summary, the currently available evidence indicates that the variant is pathogenic, but additional data are needed to prove that conclusively. Therefore, this variant has been classified as Likely Pathogenic.

Literature cited by the submitters: PubMed 24584348; PubMed 16199547; PubMed 12552564.

NM_004629.2(FANCG):c.924+1G>A

Gene: FANCG (FA complementation group G; minus strand). Cytogenetic location: 9p13.3.
Variant type: single nucleotide variant.
Coding change: c.924+1G>A on transcript NM_004629.2 (MANE Select); the canonical splice donor site of the intron after coding-DNA position 924, G replaced by A.
Molecular consequence: splice donor variant.
Genome position (GRCh38, 1-based): chr9:35,076,723, C>T on the plus strand (G>A on the coding strand, the complement: FANCG is on the minus strand). VCF-style: chr9-35076723-C-T. GRCh37 (hg19) VCF-style: chr9-35076720-C-T.
Identifiers: ClinVar variation 855411 (VCV000855411.10), dbSNP rs1829091761, ClinGen allele CA373312729.